The following is an entry in ClinVar:

ClinVar aggregate classification (germline): Uncertain significance. Review status: criteria provided, multiple submitters, no conflicts (2 of 4 stars). 2 submissions from 2 submitters: Uncertain significance (2). Last evaluated 2024-04-15.

Conditions:
Tetralogy of Fallot (TOF). Identifiers: Orphanet 3303, MedGen C0039685, MONDO:0008542, OMIM 187500, HP:0001636.
Charcot-Marie-Tooth disease, axonal, Type 2HH. Also called: CHARCOT-MARIE-TOOTH NEUROPATHY, TYPE 2HH. Identifiers: MedGen C5562003, MONDO:0030458, OMIM 619574.
Alagille syndrome due to a JAG1 point mutation. Also called: HEPATIC DUCTULAR HYPOPLASIA, SYNDROMATIC; JAG1-Related Alagille Syndrome; Alagille Syndrome 1. Identifiers: Orphanet 261619, Orphanet 52, MedGen C1956125, MONDO:0016862, OMIM 118450.
Deafness, congenital heart defects, and posterior embryotoxon (DCHE). Identifiers: MedGen C1866053, MONDO:0060713, OMIM 617992.

gnomAD v4.1: 1 of 1,614,084 alleles (0.000062%); highest among the groups gnomAD compares: Non-Finnish European, 0.000085%; no homozygotes.

Submissions (2):

Fulgent Genetics
Classification: Uncertain significance for Alagille syndrome due to a JAG1 point mutation; Tetralogy of Fallot; Deafness, congenital heart defects, and posterior embryotoxon; Charcot-Marie-Tooth disease, axonal, Type 2HH. Last evaluated: 2024-04-15. Review status: criteria provided, single submitter. Criteria: ACMG Guidelines, 2015. Collection method: clinical testing. Allele origin: germline.

Labcorp Genetics (formerly Invitae), Labcorp
Classification: Uncertain significance for Alagille syndrome due to a JAG1 point mutation. Last evaluated: 2019-03-27. Review status: criteria provided, single submitter. Criteria: Invitae Variant Classification Sherloc (09022015). Collection method: clinical testing. Allele origin: germline.
Comment: In summary, the available evidence is currently insufficient to determine the role of this variant in disease. Therefore, it has been classified as a Variant of Uncertain Significance. Algorithms developed to predict the effect of missense changes on protein structure and function (SIFT, PolyPhen-2, Align-GVGD) all suggest that this variant is likely to be tolerated, but these predictions have not been confirmed by published functional studies and their clinical significance is uncertain. This variant has not been reported in the literature in individuals with JAG1-related conditions. This variant is not present in population databases (ExAC no frequency). This sequence change replaces arginine with glycine at codon 165 of the JAG1 protein (p.Arg165Gly). The arginine residue is highly conserved and there is a moderate physicochemical difference between arginine and glycine.

NM_000214.3(JAG1):c.493C>G (p.Arg165Gly)

Gene: JAG1 (jagged canonical Notch ligand 1; minus strand). Cytogenetic location: 20p12.2.
Variant type: single nucleotide variant.
Coding change: c.493C>G on transcript NM_000214.3 (MANE Select); coding-DNA position 493, C replaced by G.
Protein change: p.Arg165Gly; replaces arginine 165 with glycine.
Molecular consequence: missense variant.
Genome position (GRCh38, 1-based): chr20:10,658,669, G>C on the plus strand (C>G on the coding strand, the complement: JAG1 is on the minus strand). VCF-style: chr20-10658669-G-C. GRCh37 (hg19) VCF-style: chr20-10639317-G-C.
Other names: short protein forms R165G.
Identifiers: ClinVar variation 849413 (VCV000849413.10), dbSNP rs749293754, ClinGen allele CA408240514.